The following is an entry in ClinVar:

ClinVar aggregate classification (germline): Pathogenic/Likely pathogenic. Review status: criteria provided, multiple submitters, no conflicts (2 of 4 stars). 2 submissions from 2 submitters: Pathogenic (1); Likely pathogenic (1). Last evaluated 2024-10-09.

Conditions:
PDE6B-related disorder. Also called: PDE6B-related disorders; PDE6B-related disease; PDE6B-related condition.

gnomAD v4.1: 3 of 1,613,000 alleles (0.00019%); highest among the groups gnomAD compares: Admixed American, 0.0017%; no homozygotes.

Submissions (2):

Labcorp Genetics (formerly Invitae), Labcorp
Classification: Pathogenic. Last evaluated: 2024-10-09. Review status: criteria provided, single submitter. Criteria: Invitae Variant Classification Sherloc (09022015). Collection method: clinical testing. Allele origin: germline.
Comment: This sequence change creates a premature translational stop signal (p.Tyr435*) in the PDE6B gene. It is expected to result in an absent or disrupted protein product. Loss-of-function variants in PDE6B are known to be pathogenic (PMID: 8394174, 8595886, 22334370). This variant is not present in population databases (gnomAD no frequency). This variant has not been reported in the literature in individuals affected with PDE6B-related conditions. For these reasons, this variant has been classified as Pathogenic.

Blueprint Genetics
Classification: Likely pathogenic for PDE6B-related disorders. Last evaluated: 2022-01-25. Review status: criteria provided, single submitter. Criteria: ACMG Guidelines, 2015. Collection method: clinical testing. Allele origin: germline. Affected: yes. Observed: 2 variant alleles.

Literature cited by the submitters: PubMed 8394174 (cited by Labcorp Genetics (formerly Invitae), Labcorp); PubMed 8595886 (cited by Labcorp Genetics (formerly Invitae), Labcorp); PubMed 22334370 (cited by Labcorp Genetics (formerly Invitae), Labcorp).

NM_000283.4(PDE6B):c.1305C>A (p.Tyr435Ter)

Gene: PDE6B (phosphodiesterase 6B; plus strand). Cytogenetic location: 4p16.3.
Variant type: single nucleotide variant.
Coding change: c.1305C>A on transcript NM_000283.4 (MANE Select); coding-DNA position 1305, C replaced by A.
Protein change: p.Tyr435Ter; replaces tyrosine 435 with a stop codon.
Molecular consequence: nonsense.
Genome position (GRCh38, 1-based): chr4:657,398, C>A. VCF-style: chr4-657398-C-A. GRCh37 (hg19) VCF-style: chr4-651187-C-A.
Other names: c.1305C>A, p.Tyr435Ter (NM_001145291.2); c.468C>A, p.Tyr156Ter (NM_001145292.2, NM_001350154.3, NM_001379246.1 and 1 more transcripts); c.150C>A, p.Tyr50Ter (NM_001350155.3); short protein forms Y156*, Y435*, Y50*.
Identifiers: ClinVar variation 3722571 (VCV003722571.3).